The following is an entry in ClinVar:

ClinVar aggregate classification (germline): Uncertain significance (1 of 4 stars; one submission).

Submission:

Labcorp Genetics (formerly Invitae), Labcorp
Classification: Uncertain significance. Last evaluated: 2026-01-12. Review status: criteria provided, single submitter. Criteria: Invitae Variant Classification Sherloc (09022015). Collection method: clinical testing. Allele origin: germline.
Comment: This sequence change replaces methionine, which is neutral and non-polar, with leucine, which is neutral and non-polar, at codon 294 of the ATP6V1B1 protein (p.Met294Leu). This variant is not present in population databases (gnomAD no frequency). This variant has not been reported in the literature in individuals affected with ATP6V1B1-related conditions. Invitae Evidence Modeling of protein sequence and biophysical properties (such as structural, functional, and spatial information, amino acid conservation, physicochemical variation, residue mobility, and thermodynamic stability) indicates that this missense variant is not expected to disrupt ATP6V1B1 protein function with a negative predictive value of 95%. In summary, the available evidence is currently insufficient to determine the role of this variant in disease. Therefore, it has been classified as a Variant of Uncertain Significance.

NM_001692.4(ATP6V1B1):c.880A>T (p.Met294Leu)

Gene: ATP6V1B1 (ATPase H+ transporting V1 subunit B1; plus strand). Cytogenetic location: 2p13.3.
Variant type: single nucleotide variant.
Coding change: c.880A>T on transcript NM_001692.4 (MANE Select); coding-DNA position 880, A replaced by T.
Protein change: p.Met294Leu; replaces methionine 294 with leucine.
Molecular consequence: missense variant.
Genome position (GRCh38, 1-based): chr2:70,962,871, A>T. VCF-style: chr2-70962871-A-T. GRCh37 (hg19) VCF-style: chr2-71190001-A-T.
Other names: short protein forms M294L.
Identifiers: ClinVar variation 4752988 (VCV004752988.1).